The following is an entry in ClinVar:

NM_000069.3(CACNA1S):c.2195T>A (p.Val732Glu)

Gene: CACNA1S (calcium voltage-gated channel subunit alpha1 S; minus strand). Cytogenetic location: 1q32.1.
Variant type: single nucleotide variant.
Coding change: c.2195T>A on transcript NM_000069.3 (MANE Select); coding-DNA position 2195, T replaced by A.
Protein change: p.Val732Glu; replaces valine 732 with glutamic acid.
Molecular consequence: missense variant.
Genome position (GRCh38, 1-based): chr1:201,072,787, A>T on the plus strand (T>A on the coding strand, the complement: CACNA1S is on the minus strand). VCF-style: chr1-201072787-A-T. GRCh37 (hg19) VCF-style: chr1-201041915-A-T.
Other names: short protein forms V732E.
Identifiers: ClinVar variation 1391951 (VCV001391951.8), dbSNP rs2102135884, ClinGen allele CA344112221.
Genomic context (GRCh38, chr1:201,072,787, plus strand): 5'-GCTCCAGTCCAGTCTCCAGCATCCTCACCTGGGAAGTCGGCTGAGGGGTAGGGATCCTTC[A>T]CCTCATTGACATTAGATTCAAACTCATCGATTTTCAGCTGTAGGAAGGAACACAATGACT-3'
Protein context (NP_000060.2, residues 722-742): IDEFESNVNE[Val732Glu]KDPYPSADFP

ClinVar aggregate classification (germline): Uncertain significance (1 of 4 stars; one submission).

Conditions:
Hypokalemic periodic paralysis, type 1. Also called: HypoPP; Hypokalemic Periodic Paralysis Type 1 (AD). Identifiers: Orphanet 681, MedGen C3714580, MONDO:0042979, OMIM 170400.
Malignant hyperthermia, susceptibility to, 5 (MHS5). Also called: CACNA1S-Related Malignant Hyperthermia Susceptibility. Identifiers: Orphanet 423, MedGen C1866077, MONDO:0011163, OMIM 601887.

Submission:

Labcorp Genetics (formerly Invitae), Labcorp
Classification: Uncertain significance for Hypokalemic periodic paralysis, type 1; Malignant hyperthermia, susceptibility to, 5. Last evaluated: 2021-07-07. Review status: criteria provided, single submitter. Criteria: Invitae Variant Classification Sherloc (09022015). Collection method: clinical testing. Allele origin: germline.
Comment: This sequence change replaces valine with glutamic acid at codon 732 of the CACNA1S protein (p.Val732Glu). The valine residue is moderately conserved and there is a moderate physicochemical difference between valine and glutamic acid. This variant is not present in population databases (ExAC no frequency). This variant has not been reported in the literature in individuals with CACNA1S-related conditions. Advanced modeling of protein sequence and biophysical properties (such as structural, functional, and spatial information, amino acid conservation, physicochemical variation, residue mobility, and thermodynamic stability) performed at Invitae indicates that this missense variant is not expected to disrupt CACNA1S protein function. In summary, the available evidence is currently insufficient to determine the role of this variant in disease. Therefore, it has been classified as a Variant of Uncertain Significance.